The following is an entry in ClinVar:

ClinVar aggregate classification (germline): Likely benign (1 of 4 stars; one submission).

Allele frequency attached by ClinVar (database versions not stated): gnomAD exomes below 0.00001; gnomAD 0.00001; TOPMed 0.00001.
gnomAD v4.1: 4 of 1,613,994 alleles (0.00025%); highest among the groups gnomAD compares: African/African-American, 0.004%; no homozygotes.

Submission:

GeneDx
Classification: Likely benign. Last evaluated: 2016-03-31. Review status: criteria provided, single submitter. Criteria: GeneDx Variant Classification (06012015). Collection method: clinical testing. Allele origin: germline. Affected: yes.
Comment: This variant is considered likely benign or benign based on one or more of the following criteria: it is a conservative change, it occurs at a poorly conserved position in the protein, it is predicted to be benign by multiple in silico algorithms, and/or has population frequency not consistent with disease.

NM_015443.4(KANSL1):c.858T>C (p.Ala286=)

Gene: KANSL1 (KAT8 regulatory NSL complex subunit 1). Cytogenetic location: 17q21.31.
Variant type: single nucleotide variant.
Coding change: c.858T>C on transcript NM_015443.4 (MANE Select); coding-DNA position 858, T replaced by C.
Protein change: p.Ala286=; no amino-acid change (alanine 286 retained).
Molecular consequence: synonymous variant.
Genome position (GRCh38, 1-based): chr17:46,171,286, A>G on the plus strand (T>C on the coding strand, the complement: KANSL1 is on the minus strand). VCF-style: chr17-46171286-A-G. GRCh37 (hg19) VCF-style: chr17-44248652-A-G.
Other names: c.858T>C, p.Ala286= (NM_001193465.2, NM_001193466.2, NM_001379198.1).
Identifiers: ClinVar variation 385067 (VCV000385067.1), dbSNP rs923328856, ClinGen allele CA16607679.
Genomic context (GRCh38, chr17:46,171,286, plus strand): 5'-CTGTAAGCGCTTTTGTAATCTGCGGGCACGGCTCTCAATGTCAGCCTGTCGCCGCAGTAA[A>G]GCTGTTATCCTTGTGTCAGAATCTAAAGCACTGAAAAGAATGGAAGACAGGGGAGACTTT-3'
Protein context (NP_056258.1, residues 276-296): SALDSDTRIT[Ala286=]LLRRQADIES